The following is an entry in ClinVar:

ClinVar aggregate classification (germline): Likely benign. Review status: criteria provided, multiple submitters, no conflicts (2 of 4 stars). 4 submissions from 4 submitters: Likely benign (4). Last evaluated 2024-11-02.

Conditions:
Hereditary breast ovarian cancer syndrome. Also called: Hereditary breast and ovarian cancer syndrome (HBOC); Breast and ovarian cancer; Hereditary breast and ovarian cancer; BRCA1- and BRCA2-Associated Hereditary Breast and Ovarian Cancer; Hereditary breast and/or ovarian cancer syndrome; Hereditary breast and ovarian cancer syndrome. Identifiers: Orphanet 145, MedGen C0677776, MeSH D061325, MONDO:0003582. Disease mechanism: loss of function.
Hereditary cancer-predisposing syndrome. Also called: Tumor predisposition; Hereditary neoplastic syndrome; Neoplastic Syndromes, Hereditary; Hereditary Cancer Syndrome. Identifiers: Orphanet 140162, MedGen C0027672, MeSH D009386, MONDO:0015356.
Breast-ovarian cancer, familial, susceptibility to, 2 (BROVCA2). Also called: BRCA2 Hereditary Breast and Ovarian Cancer. Identifiers: Orphanet 145, MedGen C2675520, MONDO:0012933, OMIM 612555. Disease mechanism: loss of function.

Submissions (4):

Labcorp Genetics (formerly Invitae), Labcorp
Classification: Likely benign for Hereditary breast ovarian cancer syndrome. Last evaluated: 2024-11-02. Review status: criteria provided, single submitter. Criteria: Invitae Variant Classification Sherloc (09022015). Collection method: clinical testing. Allele origin: germline.

All of Us Research Program, National Institutes of Health
Classification: Likely benign for Breast-ovarian cancer, familial, susceptibility to, 2. Last evaluated: 2023-05-04. Review status: criteria provided, single submitter. Criteria: ACMG Guidelines, 2015. Collection method: clinical testing. Allele origin: germline. Inheritance: Autosomal dominant inheritance. Observed: 1 variant allele, 1 heterozygote.
Comment: This study involves interpretation of variants in research participants for the purpose of population health screening. Participant phenotype was not available at the time of variant classification. Additional details can be found in publication PMID: 35346344, PMCID: PMC8962531

Ambry Genetics
Classification: Likely benign for Hereditary cancer-predisposing syndrome. Last evaluated: 2020-01-28. Review status: criteria provided, single submitter. Criteria: Ambry Variant Classification Scheme 2023. Collection method: clinical testing. Allele origin: germline.

Women's Health and Genetics/Laboratory Corporation of America, LabCorp
Classification: Likely benign. Last evaluated: 2019-08-21. Review status: criteria provided, single submitter. Criteria: LabCorp Variant Classification Summary - May 2015. Collection method: clinical testing. Allele origin: germline.

NM_000059.4(BRCA2):c.6720G>A (p.Leu2240=)

Gene: BRCA2 (BRCA2 DNA repair associated; plus strand). Cytogenetic location: 13q13.1.
Variant type: single nucleotide variant.
Coding change: c.6720G>A on transcript NM_000059.4 (MANE Select); coding-DNA position 6720, G replaced by A.
Protein change: p.Leu2240=; no amino-acid change (leucine 2240 retained).
Molecular consequence: synonymous variant.
Genome position (GRCh38, 1-based): chr13:32,341,075, G>A. VCF-style: chr13-32341075-G-A. GRCh37 (hg19) VCF-style: chr13-32915212-G-A.
Identifiers: ClinVar variation 495487 (VCV000495487.13), dbSNP rs1555284823, ClinGen allele CA483275222.